The following is an entry in ClinVar:

ClinVar aggregate classification (germline): Uncertain significance (1 of 4 stars; one submission).

Conditions:
Emery-Dreifuss muscular dystrophy 5, autosomal dominant (EDMD5). Also called: EMERY-DREIFUSS MUSCULAR DYSTROPHY 5. Identifiers: Orphanet 261, MedGen C2751805, MONDO:0013072, OMIM 612999.

Allele frequency attached by ClinVar (database versions not stated): gnomAD 0.00001 and 0.00002; ExAC 0.00002; gnomAD exomes 0.00002; TOPMed 0.00002.
gnomAD v4.1: 38 of 1,613,232 alleles (0.0024%); highest among the groups gnomAD compares: Non-Finnish European, 0.0032%; no homozygotes.

Submission:

Labcorp Genetics (formerly Invitae), Labcorp
Classification: Uncertain significance for Emery-Dreifuss muscular dystrophy 5, autosomal dominant. Last evaluated: 2022-10-17. Review status: criteria provided, single submitter. Criteria: Invitae Variant Classification Sherloc (09022015). Collection method: clinical testing. Allele origin: germline.
Comment: In summary, the available evidence is currently insufficient to determine the role of this variant in disease. Therefore, it has been classified as a Variant of Uncertain Significance. Algorithms developed to predict the effect of missense changes on protein structure and function are either unavailable or do not agree on the potential impact of this missense change (SIFT: "Tolerated"; PolyPhen-2: "Probably Damaging"; Align-GVGD: "Class C0"). ClinVar contains an entry for this variant (Variation ID: 538341). This variant has not been reported in the literature in individuals affected with SYNE2-related conditions. This variant is present in population databases (rs776221033, gnomAD 0.003%). This sequence change replaces lysine, which is basic and polar, with asparagine, which is neutral and polar, at codon 1189 of the SYNE2 protein (p.Lys1189Asn).

NM_182914.3(SYNE2):c.3567G>T (p.Lys1189Asn)

Gene: SYNE2 (spectrin repeat containing nuclear envelope protein 2; plus strand). Cytogenetic location: 14q23.2.
Variant type: single nucleotide variant.
Coding change: c.3567G>T on transcript NM_182914.3 (MANE Select); coding-DNA position 3567, G replaced by T.
Protein change: p.Lys1189Asn; replaces lysine 1189 with asparagine.
Molecular consequence: missense variant.
Genome position (GRCh38, 1-based): chr14:64,000,648, G>T. VCF-style: chr14-64000648-G-T. GRCh37 (hg19) VCF-style: chr14-64467366-G-T.
Other names: c.3567G>T, p.Lys1189Asn (NM_015180.6); short protein forms K1189N.
Identifiers: ClinVar variation 538341 (VCV000538341.9), dbSNP rs776221033, ClinGen allele CA7219998.